The following is an entry in ClinVar:

NM_006129.5(BMP1):c.2189G>T (p.Arg730Leu)

Gene: BMP1 (bone morphogenetic protein 1; plus strand). Cytogenetic location: 8p21.3.
Variant type: single nucleotide variant.
Coding change: c.2189G>T on transcript NM_006129.5 (MANE Select); coding-DNA position 2189, G replaced by T.
Protein change: p.Arg730Leu; replaces arginine 730 with leucine.
Molecular consequence: missense variant. On other transcripts: non-coding transcript variant (1).
Genome position (GRCh38, 1-based): chr8:22,201,884, G>T. VCF-style: chr8-22201884-G-T. GRCh37 (hg19) VCF-style: chr8-22059397-G-T.
Other names: c.2189G>T (NM_006129.4); short protein forms R730L.
Identifiers: ClinVar variation 1374937 (VCV001374937.6), dbSNP rs374344275, ClinGen allele CA4665148.

ClinVar aggregate classification (germline): Uncertain significance. Review status: criteria provided, multiple submitters, no conflicts (2 of 4 stars). 4 submissions from 4 submitters: Uncertain significance (4). Last evaluated 2026-04-15.

Conditions:
Inborn genetic diseases. Identifiers: MedGen C0950123, MeSH D030342.

gnomAD v4.1: 11 of 1,613,664 alleles (0.00068%); highest among the groups gnomAD compares: African/African-American, 0.0093%; no homozygotes.

Submissions (4):

Women's Health and Genetics/Laboratory Corporation of America, LabCorp
Classification: Uncertain significance. Last evaluated: 2026-04-15. Review status: criteria provided, single submitter. Criteria: LabCorp Variant Classification Summary - May 2015. Collection method: clinical testing. Allele origin: germline.
Comment: Variant summary: BMP1 c.2189G>T (p.Arg730Leu) results in a non-conservative amino acid change in the encoded protein sequence. Algorithms developed to predict the effect of missense changes on protein structure and function are either unavailable or do not agree on the potential impact of this missense change. The variant allele was found at a frequency of 4e-06 in 249576 control chromosomes. The available data on variant occurrences in the general population are insufficient to allow any conclusion about variant significance. To our knowledge, no occurrence of c.2189G>T in individuals affected with BMP1-related conditions and no experimental evidence demonstrating its impact on protein function have been reported. ClinVar contains an entry for this variant (Variation ID: 1374937). Based on the evidence outlined above, the variant was classified as uncertain significance.

Blueprint Genetics
Classification: Uncertain significance. Last evaluated: 2023-03-02. Review status: criteria provided, single submitter. Criteria: ACMG Guidelines, 2015. Collection method: clinical testing. Allele origin: germline.

Labcorp Genetics (formerly Invitae), Labcorp
Classification: Uncertain significance. Last evaluated: 2022-03-04. Review status: criteria provided, single submitter. Criteria: Invitae Variant Classification Sherloc (09022015). Collection method: clinical testing. Allele origin: germline.
Comment: This sequence change replaces arginine, which is basic and polar, with leucine, which is neutral and non-polar, at codon 730 of the BMP1 protein (p.Arg730Leu). This variant is present in population databases (rs374344275, gnomAD 0.003%). This variant has not been reported in the literature in individuals affected with BMP1-related conditions. Algorithms developed to predict the effect of missense changes on protein structure and function are either unavailable or do not agree on the potential impact of this missense change (SIFT: "Deleterious"; PolyPhen-2: "Benign"; Align-GVGD: "Class C65"). In summary, the available evidence is currently insufficient to determine the role of this variant in disease. Therefore, it has been classified as a Variant of Uncertain Significance.

Ambry Genetics
Classification: Uncertain significance for Inborn genetic diseases. Last evaluated: 2021-09-01. Review status: criteria provided, single submitter. Criteria: Ambry Variant Classification Scheme 2023. Collection method: clinical testing. Allele origin: germline.